The following is an entry in ClinVar:

ClinVar aggregate classification (germline): Benign/Likely benign. Review status: criteria provided, multiple submitters, no conflicts (2 of 4 stars). 3 submissions from 2 submitters: Benign (2); Likely benign (1). Last evaluated 2018-01-12.

Conditions:
Sacral defect with anterior meningocele. Identifiers: MedGen C1838568, OMIM 600145.
Neural tube defect (NTD). Also called: Neural tube defects. Identifiers: Orphanet 3388, Orphanet 823, MedGen C0027794, MONDO:0018075, HP:0045005.

Allele frequency attached by ClinVar (database versions not stated): TOPMed 0.10165; 1000 Genomes Project 0.10224; gnomAD 0.10323 and 0.10611; 1000 Genomes Project 30x 0.10790.

Submissions (3):

Illumina Laboratory Services, Illumina
Classification: Benign for Neural tube defects, susceptibility to. Last evaluated: 2018-01-12. Review status: criteria provided, single submitter. Criteria: ICSL Variant Classification Criteria 13 December 2019. Collection method: clinical testing. Allele origin: germline.
Comment: This variant was observed in the ICSL laboratory as part of a predisposition screen in an ostensibly healthy population. It had not been previously curated by ICSL or reported in the Human Gene Mutation Database (HGMD: prior to June 1st, 2018), and was therefore a candidate for classification through an automated scoring system. Utilizing variant allele frequency, disease prevalence and penetrance estimates, and inheritance mode, an automated score was calculated to assess if this variant is too frequent to cause the disease. Based on the score and internal cut-off values, a variant classified as benign is not then subjected to further curation. The score for this variant resulted in a classification of benign for this disease.

Illumina Laboratory Services, Illumina
Classification: Benign for Sacral defect with anterior meningocele. Last evaluated: 2018-01-12. Review status: criteria provided, single submitter. Criteria: ICSL Variant Classification Criteria 13 December 2019. Collection method: clinical testing. Allele origin: germline.
Comment: the same text as in the submission from Illumina Laboratory Services, Illumina above.

Breakthrough Genomics
Classification: Likely benign. Review status: criteria provided, single submitter. Criteria: ACMG Guidelines, 2015. Collection method: not provided. Allele origin: germline. Inheritance: Autosomal dominant inheritance. Affected: yes.

NM_138959.3(VANGL1):c.*6721A>G

Gene: VANGL1 (VANGL planar cell polarity protein 1; plus strand). Cytogenetic location: 1p13.1.
Variant type: single nucleotide variant.
Coding change: c.*6721A>G on transcript NM_138959.3 (MANE Select); 6721 bases downstream of the stop codon, A replaced by G.
Molecular consequence: 3 prime UTR variant.
Genome position (GRCh38, 1-based): chr1:115,698,100, A>G. VCF-style: chr1-115698100-A-G. GRCh37 (hg19) VCF-style: chr1-116240721-A-G.
Other names: c.*6721A>G (NM_001172411.2, NM_001172412.2).
Identifiers: ClinVar variation 292112 (VCV000292112.8), dbSNP rs17034249, ClinGen allele CA10607589.